The following is an entry in ClinVar:

ClinVar aggregate classification (germline): Benign/Likely benign. Review status: criteria provided, multiple submitters, no conflicts (2 of 4 stars). 2 submissions from 2 submitters: Benign (1); Likely benign (1). Last evaluated 2025-10-02.

Conditions:
Amyotrophic lateral sclerosis type 6. Also called: Amyotrophic lateral sclerosis 6, with or without frontotemporal dementia; FUS-Related Amyotrophic Laterial Sclerosis; AMYOTROPHIC LATERAL SCLEROSIS 6 WITHOUT FRONTOTEMPORAL DEMENTIA. Identifiers: Orphanet 275872, Orphanet 803, MedGen C2931786, MONDO:0011951, OMIM 608030.
Tremor, hereditary essential, 4 (ETM4). Identifiers: MedGen C3539195, MONDO:0013888, OMIM 614782.

Allele frequency attached by ClinVar (database versions not stated): gnomAD exomes 0.00006 and 0.00016; TOPMed 0.00009; gnomAD 0.00010 and 0.00011; ExAC 0.00017; 1000 Genomes Project 0.00020; 1000 Genomes Project 30x 0.00031.
gnomAD v4.1: 105 of 1,614,136 alleles (0.0065%); highest among the groups gnomAD compares: Admixed American, 0.075%; no homozygotes.

Submissions (2):

Labcorp Genetics (formerly Invitae), Labcorp
Classification: Benign for Tremor, hereditary essential, 4; Amyotrophic lateral sclerosis type 6. Last evaluated: 2025-10-02. Review status: criteria provided, single submitter. Criteria: Invitae Variant Classification Sherloc (09022015). Collection method: clinical testing. Allele origin: germline.

Illumina Laboratory Services, Illumina
Classification: Likely benign for Amyotrophic lateral sclerosis type 6. Last evaluated: 2018-01-13. Review status: criteria provided, single submitter. Criteria: ICSL Variant Classification Criteria 13 December 2019. Collection method: clinical testing. Allele origin: germline.
Comment: This variant was observed in the ICSL laboratory as part of a predisposition screen in an ostensibly healthy population. It had not been previously curated by ICSL or reported in the Human Gene Mutation Database (HGMD: prior to June 1st, 2018), and was therefore a candidate for classification through an automated scoring system. Utilizing variant allele frequency, disease prevalence and penetrance estimates, and inheritance mode, an automated score was calculated to assess if this variant is too frequent to cause the disease. Based on the score and internal cut-off values, a variant classified as likely benign is not then subjected to further curation. The score for this variant resulted in a classification of likely benign for this disease.

NM_004960.4(FUS):c.1169-11A>G

Gene: FUS (FUS RNA binding protein; plus strand). Cytogenetic location: 16p11.2.
Variant type: single nucleotide variant.
Coding change: c.1169-11A>G on transcript NM_004960.4 (MANE Select); 11 bases into the intron before coding-DNA position 1169, A replaced by G.
Molecular consequence: intron variant.
Genome position (GRCh38, 1-based): chr16:31,190,264, A>G. VCF-style: chr16-31190264-A-G. GRCh37 (hg19) VCF-style: chr16-31201585-A-G.
Other names: c.1157-11A>G (NM_001170937.1); c.1166-11A>G (NM_001170634.1).
Identifiers: ClinVar variation 885455 (VCV000885455.11), dbSNP rs181859716, ClinGen allele CA8023965.